The following is an entry in ClinVar:

NM_000179.3(MSH6):c.867C>A (p.Gly289=)

Gene: MSH6 (mutS homolog 6; plus strand). Cytogenetic location: 2p16.3.
Variant type: single nucleotide variant.
Coding change: c.867C>A on transcript NM_000179.3 (MANE Select); coding-DNA position 867, C replaced by A.
Protein change: p.Gly289=; no amino-acid change (glycine 289 retained).
Molecular consequence: synonymous variant. On other transcripts: 5 prime UTR variant (2).
Genome position (GRCh38, 1-based): chr2:47,798,850, C>A. VCF-style: chr2-47798850-C-A. GRCh37 (hg19) VCF-style: chr2-48025989-C-A.
Other names: c.477C>A, p.Gly159= (NM_001281492.2); c.-40C>A (NM_001281493.2, NM_001281494.2).
Identifiers: ClinVar variation 378876 (VCV000378876.21), dbSNP rs267608047, ClinGen allele CA073524.
Genomic context (GRCh38, chr2:47,798,850, plus strand): 5'-TAAGGAGGAAGGAAGCAGTGATGAAATAAGCAGTGGAGTGGGGGATAGTGAGAGTGAAGG[C>A]CTGAACAGCCCTGTCAAAGTTGCTCGAAAGCGGAAGAGAATGGTGACTGGAAATGGCTCT-3'
Protein context (NP_000170.1, residues 279-299): SSGVGDSESE[Gly289=]LNSPVKVARK

ClinVar aggregate classification (germline): Benign/Likely benign. Review status: criteria provided, multiple submitters, no conflicts (2 of 4 stars). 9 submissions from 9 submitters: Benign (2); Likely benign (6). 1 of the submissions does not count toward it. Last evaluated 2025-06-08.

Conditions:
Hereditary cancer-predisposing syndrome. Also called: Tumor predisposition; Hereditary neoplastic syndrome; Neoplastic Syndromes, Hereditary; Hereditary Cancer Syndrome. Identifiers: Orphanet 140162, MedGen C0027672, MeSH D009386, MONDO:0015356.
Hereditary nonpolyposis colorectal neoplasms. Identifiers: MedGen C0009405, MeSH D003123.
Lynch syndrome. Identifiers: Orphanet 144, MedGen C4552100, MONDO:0005835. Disease mechanism: loss of function.
Lynch syndrome 5 (LYNCH5). Also called: Colorectal cancer, hereditary nonpolyposis, type 5; Hereditary non-polyposis colorectal cancer, type 5. Identifiers: Orphanet 144, MedGen C1833477, MONDO:0013710, OMIM 614350. Disease mechanism: loss of function.

Allele frequency attached by ClinVar (database versions not stated): ExAC 0.00003; gnomAD exomes 0.00009; TOPMed 0.00012; gnomAD 0.00017.

Submissions (9):

Women's Health and Genetics/Laboratory Corporation of America, LabCorp
Classification: Benign. Last evaluated: 2025-06-08. Review status: criteria provided, single submitter. Criteria: LabCorp Variant Classification Summary - May 2015. Collection method: clinical testing. Allele origin: germline.

Myriad Genetics, Inc.
Classification: Benign for Lynch syndrome 5. Last evaluated: 2024-12-20. Review status: criteria provided, single submitter. Criteria: Myriad Autosomal Dominant, Autosomal Recessive and X-Linked Classification Criteria (2023). Collection method: clinical testing. Allele origin: unknown.
Comment: This variant is considered benign. This variant is a silent/synonymous amino acid change and it is not expected to impact splicing.

Ambry Genetics
Classification: Likely benign for Hereditary cancer-predisposing syndrome. Last evaluated: 2024-12-12. Review status: criteria provided, single submitter. Criteria: Ambry Variant Classification Scheme 2023. Collection method: clinical testing. Allele origin: germline.

All of Us Research Program, National Institutes of Health
Classification: Likely benign for Lynch syndrome. Last evaluated: 2024-02-05. Review status: criteria provided, single submitter. Criteria: ACMG Guidelines, 2015. Collection method: clinical testing. Allele origin: germline. Inheritance: Autosomal dominant inheritance. Observed: 45 variant alleles, 45 heterozygotes.
Comment: This study involves interpretation of variants in research participants for the purpose of population health screening. Participant phenotype was not available at the time of variant classification. Additional details can be found in publication PMID: 35346344, PMCID: PMC8962531

Labcorp Genetics (formerly Invitae), Labcorp
Classification: Likely benign for Hereditary nonpolyposis colorectal neoplasms. Last evaluated: 2023-09-26. Review status: criteria provided, single submitter. Criteria: Invitae Variant Classification Sherloc (09022015). Collection method: clinical testing. Allele origin: germline.

Sema4
Classification: Likely benign for Hereditary cancer-predisposing syndrome. Last evaluated: 2020-11-28. Review status: criteria provided, single submitter. Criteria: Sema4 Curation Guidelines. Collection method: curation. Allele origin: germline.

GeneDx
Classification: Likely benign. Last evaluated: 2016-01-05. Review status: criteria provided, single submitter. Criteria: GeneDx Variant Classification (06012015). Collection method: clinical testing. Allele origin: germline. Affected: yes.
Comment: This variant is considered likely benign or benign based on one or more of the following criteria: it is a conservative change, it occurs at a poorly conserved position in the protein, it is predicted to be benign by multiple in silico algorithms, and/or has population frequency not consistent with disease.

Color Diagnostics, LLC DBA Color Health
Classification: Likely benign for Hereditary cancer-predisposing syndrome. Last evaluated: 2015-05-18. Review status: criteria provided, single submitter. Criteria: ACMG Guidelines, 2015. Collection method: clinical testing. Allele origin: germline.

Department of Pathology and Laboratory Medicine, Sinai Health System
Classification: Uncertain significance. Review status: no assertion criteria provided. Collection method: clinical testing. Allele origin: unknown. Affected: yes. Study: The Canadian Open Genetics Repository (COGR). Not counted in ClinVar's aggregate classification.

Literature cited by the submitters: PubMed 16010685 (cited by Sema4); PubMed 18269114 (cited by Sema4); PubMed 26898890 (cited by Sema4); PubMed 27997549 (cited by Sema4).